The following is an entry in ClinVar:

NM_006231.4(POLE):c.4174A>T (p.Asn1392Tyr)

Gene: POLE (DNA polymerase epsilon, catalytic subunit; minus strand). Cytogenetic location: 12q24.33.
Variant type: single nucleotide variant.
Coding change: c.4174A>T on transcript NM_006231.4 (MANE Select); coding-DNA position 4174, A replaced by T.
Protein change: p.Asn1392Tyr; replaces asparagine 1392 with tyrosine.
Molecular consequence: missense variant.
Genome position (GRCh38, 1-based): chr12:132,643,953, T>A on the plus strand (A>T on the coding strand, the complement: POLE is on the minus strand). VCF-style: chr12-132643953-T-A. GRCh37 (hg19) VCF-style: chr12-133220539-T-A.
Other names: short protein forms N1392Y.
Identifiers: ClinVar variation 2078237 (VCV002078237.4), dbSNP rs2541902984, ClinGen allele CA387382443.

ClinVar aggregate classification (germline): Uncertain significance (1 of 4 stars; one submission).

Submission:

Labcorp Genetics (formerly Invitae), Labcorp
Classification: Uncertain significance. Last evaluated: 2022-11-30. Review status: criteria provided, single submitter. Criteria: Invitae Variant Classification Sherloc (09022015). Collection method: clinical testing. Allele origin: germline.
Comment: This sequence change replaces asparagine, which is neutral and polar, with tyrosine, which is neutral and polar, at codon 1392 of the POLE protein (p.Asn1392Tyr). This variant is not present in population databases (gnomAD no frequency). In summary, the available evidence is currently insufficient to determine the role of this variant in disease. Therefore, it has been classified as a Variant of Uncertain Significance. Advanced modeling of protein sequence and biophysical properties (such as structural, functional, and spatial information, amino acid conservation, physicochemical variation, residue mobility, and thermodynamic stability) performed at Invitae indicates that this missense variant is not expected to disrupt POLE protein function. This variant has not been reported in the literature in individuals affected with POLE-related conditions.